The following is an entry in ClinVar:

ClinVar aggregate classification (germline): Uncertain significance (1 of 4 stars; one submission).

Submission:

GeneDx
Classification: Uncertain significance. Last evaluated: 2026-01-26. Review status: criteria provided, single submitter. Criteria: GeneDx Variant Classification Process June 2021. Collection method: clinical testing. Allele origin: germline.
Comment: Not observed at significant frequency in large population cohorts (gnomAD); In silico analysis supports that this missense variant has a deleterious effect on protein structure/function; Has not been previously published as pathogenic or benign to our knowledge

NM_000540.3(RYR1):c.5126G>C (p.Gly1709Ala)

Gene: RYR1 (ryanodine receptor 1; plus strand). Cytogenetic location: 19q13.2.
Variant type: single nucleotide variant.
Coding change: c.5126G>C on transcript NM_000540.3 (MANE Select); coding-DNA position 5126, G replaced by C.
Protein change: p.Gly1709Ala; replaces glycine 1709 with alanine.
Molecular consequence: missense variant.
Genome position (GRCh38, 1-based): chr19:38,485,781, G>C. VCF-style: chr19-38485781-G-C. GRCh37 (hg19) VCF-style: chr19-38976421-G-C.
Other names: c.5126G>C, p.Gly1709Ala (NM_001042723.2); short protein forms G1709A.
Identifiers: ClinVar variation 4975727 (VCV004975727.1).